The following is an entry in ClinVar:

ClinVar aggregate classification (germline): Uncertain significance (1 of 4 stars; one submission).

Conditions:
BAG3-related disorder. Also called: BAG3-related condition.

Submission:

PreventionGenetics, part of Exact Sciences
Classification: Uncertain significance for BAG3-related condition. Last evaluated: 2026-07-18. Review status: criteria provided, single submitter. Criteria: ACMG Guidelines, 2015. Collection method: clinical testing. Allele origin: germline.
Comment: The BAG3 c.398G>A variant is predicted to result in the amino acid substitution p.Arg133Lys. To our knowledge, this variant has not been reported in the literature or in a large population database (gnomAD), indicating this variant is rare. At this time, the clinical significance of this variant is uncertain due to the absence of conclusive functional and genetic evidence.

NM_004281.4(BAG3):c.398G>A (p.Arg133Lys)

Gene: BAG3 (BAG cochaperone 3; plus strand). Cytogenetic location: 10q26.11.
Variant type: single nucleotide variant.
Coding change: c.398G>A on transcript NM_004281.4 (MANE Select); coding-DNA position 398, G replaced by A.
Protein change: p.Arg133Lys; replaces arginine 133 with lysine.
Molecular consequence: missense variant.
Genome position (GRCh38, 1-based): chr10:119,670,068, G>A. VCF-style: chr10-119670068-G-A. GRCh37 (hg19) VCF-style: chr10-121429580-G-A.
Other names: short protein forms R133K.
Identifiers: ClinVar variation 5000982 (VCV005000982.1).